The following is an entry in ClinVar:

NM_001042492.3(NF1):c.4289A>G (p.Lys1430Arg)

Gene: NF1 (neurofibromin 1; plus strand). Cytogenetic location: 17q11.2.
Variant type: single nucleotide variant.
Coding change: c.4289A>G on transcript NM_001042492.3 (MANE Select); coding-DNA position 4289, A replaced by G.
Protein change: p.Lys1430Arg; replaces lysine 1430 with arginine.
Molecular consequence: missense variant.
Genome position (GRCh38, 1-based): chr17:31,258,459, A>G. VCF-style: chr17-31258459-A-G. GRCh37 (hg19) VCF-style: chr17-29585477-A-G.
Other names: c.4226A>G, p.Lys1409Arg (NM_000267.4); short protein forms K1430R, K1409R.
Identifiers: ClinVar variation 2726951 (VCV002726951.3), dbSNP rs2151462102, ClinGen allele CA398998030.
Genomic context (GRCh38, chr17:31,258,459, plus strand): 5'-TCCTCAGATTTATCAATCCTGCCATTGTCTCACCGTATGAAGCAGGGATTTTAGATAAAA[A>G]GCCACCACCTAGAATCGAAAGGGGCTTGAAGTTAATGTCAAAGGTGAATTATTTTGATAA-3'
Protein context (NP_001035957.1, residues 1420-1440): SPYEAGILDK[Lys1430Arg]PPPRIERGLK

ClinVar aggregate classification (germline): Uncertain significance (1 of 4 stars; one submission).

Conditions:
Neurofibromatosis, type 1 (NF1). Also called: Neurofibromatosis, type I; NEUROFIBROMATOSIS, TYPE I, SOMATIC; Peripheral type neurofibromatosis; VON RECKLINGHAUSEN DISEASE. Identifiers: Orphanet 636, MedGen C0027831, MONDO:0018975, OMIM 162200. Disease mechanism: loss of function.

Submission:

Labcorp Genetics (formerly Invitae), Labcorp
Classification: Uncertain significance for Neurofibromatosis, type 1. Last evaluated: 2023-06-24. Review status: criteria provided, single submitter. Criteria: Invitae Variant Classification Sherloc (09022015). Collection method: clinical testing. Allele origin: germline.
Comment: In summary, the available evidence is currently insufficient to determine the role of this variant in disease. Therefore, it has been classified as a Variant of Uncertain Significance. Experimental studies have shown that this missense change affects NF1 function (PMID: 8628317). Advanced modeling of protein sequence and biophysical properties (such as structural, functional, and spatial information, amino acid conservation, physicochemical variation, residue mobility, and thermodynamic stability) performed at Invitae indicates that this missense variant is not expected to disrupt NF1 protein function. This variant has not been reported in the literature in individuals affected with NF1-related conditions. This variant is not present in population databases (gnomAD no frequency). This sequence change replaces lysine, which is basic and polar, with arginine, which is basic and polar, at codon 1409 of the NF1 protein (p.Lys1409Arg).

Literature cited by the submitters: PubMed 8628317.